The following is an entry in ClinVar:

NM_001458.5(FLNC):c.3242C>T (p.Ala1081Val)

Gene: FLNC (filamin C; plus strand). Cytogenetic location: 7q32.1.
Variant type: single nucleotide variant.
Coding change: c.3242C>T on transcript NM_001458.5 (MANE Select); coding-DNA position 3242, C replaced by T.
Protein change: p.Ala1081Val; replaces alanine 1081 with valine.
Molecular consequence: missense variant.
Genome position (GRCh38, 1-based): chr7:128,844,707, C>T. VCF-style: chr7-128844707-C-T. GRCh37 (hg19) VCF-style: chr7-128484761-C-T.
Other names: c.3242C>T, p.Ala1081Val (NM_001127487.2); short protein forms A1081V.
Identifiers: ClinVar variation 539449 (VCV000539449.68), dbSNP rs200169573, ClinGen allele CA4475005.

ClinVar aggregate classification (germline): Conflicting classifications of pathogenicity. Review status: criteria provided, conflicting classifications (1 of 4 stars). 8 submissions from 8 submitters: Uncertain significance (5); Likely benign (3). Last evaluated 2026-07-13.

Conditions:
FLNC-related disorder. Also called: FLNC-related disorders; FLNC-related condition.
Hypertrophic cardiomyopathy 26. Also called: Cardiomyopathy, familial hypertrophic, 26. Identifiers: Orphanet 75249, MedGen C4310749, MONDO:0014883, OMIM 617047.
Cardiovascular phenotype. Identifiers: MedGen CN230736.
Myofibrillar myopathy 5. Also called: Filaminopathy (type); FILAMINOPATHY, AUTOSOMAL DOMINANT. Identifiers: Orphanet 171445, MedGen C1836050, MONDO:0012289, OMIM 609524.
Distal myopathy with posterior leg and anterior hand involvement. Also called: WILLIAMS DISTAL MYOPATHY. Identifiers: Orphanet 63273, MedGen C3279722, MONDO:0013550, OMIM 614065.

Allele frequency attached by ClinVar (database versions not stated): gnomAD exomes 0.00011 and 0.00014; gnomAD 0.00014 and 0.00015; ESP Exome Variant Server 0.00016; TOPMed 0.00016; ExAC 0.00017.
gnomAD v4.1: 189 of 1,613,704 alleles (0.012%); highest among the groups gnomAD compares: Admixed American, 0.03%; no homozygotes.

Submissions (8):

PreventionGenetics, part of Exact Sciences
Classification: Uncertain significance for FLNC-related condition. Last evaluated: 2026-07-13. Review status: criteria provided, single submitter. Criteria: ACMG Guidelines, 2015. Collection method: clinical testing. Allele origin: germline.
Comment: The FLNC c.3242C>T variant is predicted to result in the amino acid substitution p.Ala1081Val. This variant has been reported in an individual with sporadic dilated cardiomyopathy (Supplementary Table 3, Lenarduzzi et al. 2023. PubMed ID: 36788754). This variant is reported in 0.040% of alleles in individuals of Latino descent in gnomAD, which may be too common to be causative. Although we suspect that this variant may be benign, at this time, the clinical significance of this variant is uncertain due to the absence of conclusive functional and genetic evidence.

Labcorp Genetics (formerly Invitae), Labcorp
Classification: Likely benign for Distal myopathy with posterior leg and anterior hand involvement; Myofibrillar myopathy 5; Hypertrophic cardiomyopathy 26. Last evaluated: 2026-01-26. Review status: criteria provided, single submitter. Criteria: Invitae Variant Classification Sherloc (09022015). Collection method: clinical testing. Allele origin: germline.

Blueprint Genetics
Classification: Likely benign. Last evaluated: 2024-10-30. Review status: criteria provided, single submitter. Criteria: ACMG Guidelines, 2015. Collection method: clinical testing. Allele origin: germline.

Revvity Omics, Revvity
Classification: Uncertain significance. Last evaluated: 2024-10-30. Review status: criteria provided, single submitter. Criteria: ACMG Guidelines, 2015. Collection method: clinical testing. Allele origin: germline.

Ambry Genetics
Classification: Uncertain significance for Cardiovascular phenotype. Last evaluated: 2024-10-27. Review status: criteria provided, single submitter. Criteria: Ambry Variant Classification Scheme 2023. Collection method: clinical testing. Allele origin: germline.
Comment: The p.A1081V variant (also known as c.3242C>T), located in coding exon 21 of the FLNC gene, results from a C to T substitution at nucleotide position 3242. The alanine at codon 1081 is replaced by valine, an amino acid with similar properties. This amino acid position is highly conserved in available vertebrate species. In addition, the in silico prediction for this alteration is inconclusive. Based on the available evidence, the clinical significance of this variant remains unclear.

CeGaT Center for Human Genetics Tuebingen
Classification: Uncertain significance. Last evaluated: 2023-08-01. Review status: criteria provided, single submitter. Criteria: CeGaT Center For Human Genetics Tuebingen Variant Classification Criteria Version 2. Collection method: clinical testing. Allele origin: germline. Affected: yes. Observed: 6 variant alleles.

GeneDx
Classification: Likely benign. Last evaluated: 2021-03-15. Review status: criteria provided, single submitter. Criteria: GeneDx Variant Classification Process June 2021. Collection method: clinical testing. Allele origin: germline. Affected: yes.
Comment: Has not been previously published as pathogenic or benign to our knowledge; Reported in ClinVar by another clinical laboratory as a variant of uncertain significance (ClinVar Variant ID 539449; Landrum et al., 2016); In silico analysis, which includes protein predictors and evolutionary conservation, supports a deleterious effect

Centre for Mendelian Genomics, University Medical Centre Ljubljana
Classification: Uncertain significance for Hypertrophic cardiomyopathy 26. Last evaluated: 2019-01-24. Review status: criteria provided, single submitter. Criteria: ACMG Guidelines, 2015. Collection method: clinical testing. Allele origin: unknown. Affected: yes.
Comment: This variant was classified as: Uncertain significance. The available evidence on this variant's pathogenicity is insufficient or conflicting. The following ACMG criteria were applied in classifying this variant: PP3,BS1.